The following is an entry in ClinVar:

NM_001394062.1(MACF1):c.14904T>G (p.Ile4968Met)

Genes: MACF1 (microtubule actin crosslinking factor 1; plus strand), LOC114803468 (MACF1 eExon liver enhancer; plus strand). Cytogenetic location: 1p34.3.
Variant type: single nucleotide variant.
Coding change: c.14904T>G on transcript NM_001394062.1 (MANE Select); coding-DNA position 14904, T replaced by G.
Protein change: p.Ile4968Met; replaces isoleucine 4968 with methionine.
Molecular consequence: missense variant.
Genome position (GRCh38, 1-based): chr1:39,387,746, T>G. VCF-style: chr1-39387746-T-G. GRCh37 (hg19) VCF-style: chr1-39853418-T-G.
Other names: c.8718T>G, p.Ile2906Met (NM_012090.5); short protein forms I4968M, I2906M.
Identifiers: ClinVar variation 3700965 (VCV003700965.2).

ClinVar aggregate classification (germline): Uncertain significance (1 of 4 stars; one submission).

gnomAD v4.1: 2 of 1,614,132 alleles (0.00012%); highest among the groups gnomAD compares: Admixed American, 0.0033%; no homozygotes.

Submission:

Labcorp Genetics (formerly Invitae), Labcorp
Classification: Uncertain significance. Last evaluated: 2024-07-30. Review status: criteria provided, single submitter. Criteria: Invitae Variant Classification Sherloc (09022015). Collection method: clinical testing. Allele origin: germline.
Comment: This sequence change replaces isoleucine, which is neutral and non-polar, with methionine, which is neutral and non-polar, at codon 2906 of the MACF1 protein (p.Ile2906Met). This variant is not present in population databases (gnomAD no frequency). This variant has not been reported in the literature in individuals affected with MACF1-related conditions. An algorithm developed to predict the effect of missense changes on protein structure and function (PolyPhen-2) suggests that this variant is likely to be disruptive. In summary, the available evidence is currently insufficient to determine the role of this variant in disease. Therefore, it has been classified as a Variant of Uncertain Significance.